The following is an entry in ClinVar:

NM_004336.5(BUB1):c.100G>A (p.Val34Ile)

Gene: BUB1 (BUB1 mitotic checkpoint serine/threonine kinase; minus strand). Cytogenetic location: 2q13.
Variant type: single nucleotide variant.
Coding change: c.100G>A on transcript NM_004336.5 (MANE Select); coding-DNA position 100, G replaced by A.
Protein change: p.Val34Ile; replaces valine 34 with isoleucine.
Molecular consequence: missense variant.
Genome position (GRCh38, 1-based): chr2:110,674,211, C>T on the plus strand (G>A on the coding strand, the complement: BUB1 is on the minus strand). VCF-style: chr2-110674211-C-T. GRCh37 (hg19) VCF-style: chr2-111431788-C-T.
Other names: c.40G>A, p.Val14Ile (NM_001278616.2); c.100G>A, p.Val34Ile (NM_001278617.2); short protein forms V34I, V14I.
Identifiers: ClinVar variation 1797255 (VCV001797255.5), dbSNP rs200184764, ClinGen allele CA1828449.
Genomic context (GRCh38, chr2:110,674,211, plus strand): 5'-TCATTAAATGTTCTAGTAAAGTTATCAAGTATTCTTTATTCTCAGGAAAATTCTCTTCTA[C>T]CCACTGTATGTATCTAGAAAAATATGGATAATGTTAATTTTCCATGGGGCAGTGTATAGT-3'
Protein context (NP_004327.1, residues 24-44): LGEWERYIQW[Val34Ile]EENFPENKEY

ClinVar aggregate classification (germline): Conflicting classifications of pathogenicity. Review status: criteria provided, conflicting classifications (1 of 4 stars). 2 submissions from 2 submitters: Uncertain significance (1); Likely benign (1). Last evaluated 2025-11-18.

Allele frequency attached by ClinVar (database versions not stated): gnomAD exomes 0.00026; ESP Exome Variant Server 0.00008; TOPMed 0.00009; ExAC 0.00054; gnomAD 0.00056.
gnomAD v4.1: 469 of 1,608,148 alleles (0.029%); highest among the groups gnomAD compares: East Asian, 0.15%; 2 homozygotes.

Submissions (2):

Labcorp Genetics (formerly Invitae), Labcorp
Classification: Likely benign. Last evaluated: 2025-11-18. Review status: criteria provided, single submitter. Criteria: Invitae Variant Classification Sherloc (09022015). Collection method: clinical testing. Allele origin: germline.

Ambry Genetics
Classification: Uncertain significance. Last evaluated: 2024-09-13. Review status: criteria provided, single submitter. Criteria: Ambry Variant Classification Scheme 2023. Collection method: clinical testing. Allele origin: germline.
Comment: The p.V34I variant (also known as c.100G>A), located in coding exon 3 of the BUB1 gene, results from a G to A substitution at nucleotide position 100. The valine at codon 34 is replaced by isoleucine, an amino acid with highly similar properties. This amino acid position is conserved. In addition, this alteration is predicted to be tolerated by in silico analysis. Since supporting evidence is limited at this time, the clinical significance of this alteration remains unclear.